The following is an entry in ClinVar:

NM_017636.4(TRPM4):c.1473A>G (p.Leu491=)

Gene: TRPM4 (transient receptor potential cation channel subfamily M member 4; plus strand). Cytogenetic location: 19q13.33.
Variant type: single nucleotide variant.
Coding change: c.1473A>G on transcript NM_017636.4 (MANE Select); coding-DNA position 1473, A replaced by G.
Protein change: p.Leu491=; no amino-acid change (leucine 491 retained).
Molecular consequence: synonymous variant. On other transcripts: 5 prime UTR variant (1).
Genome position (GRCh38, 1-based): chr19:49,182,787, A>G. VCF-style: chr19-49182787-A-G. GRCh37 (hg19) VCF-style: chr19-49686044-A-G.
Other names: c.1473A>G, p.Leu491= (NM_001195227.2); c.1128A>G, p.Leu376= (NM_001321281.2); c.-81A>G (NM_001321282.2); c.951A>G, p.Leu317= (NM_001321283.2); c.411A>G, p.Leu137= (NM_001321285.2).
Identifiers: ClinVar variation 329855 (VCV000329855.17), dbSNP rs142739227, ClinGen allele CA9569202.

ClinVar aggregate classification (germline): Conflicting classifications of pathogenicity. Review status: criteria provided, conflicting classifications (1 of 4 stars). 5 submissions from 5 submitters: Uncertain significance (1); Likely benign (3). 1 of the submissions does not count toward it. Last evaluated 2025-08-12.

Conditions:
Cardiovascular phenotype. Identifiers: MedGen CN230736.
Progressive familial heart block type IB (PFHB1B). Identifiers: Orphanet 871, MedGen C1970298, MONDO:0011474, OMIM 604559.
TRPM4-related disorder. Also called: TRPM4-related condition; TRPM4-related disorders. Identifiers: MedGen CN239424.

Allele frequency attached by ClinVar (database versions not stated): gnomAD 0.00001; TOPMed 0.00001; gnomAD exomes 0.00005; ESP Exome Variant Server 0.00008; ExAC 0.00009.
gnomAD v4.1: 52 of 1,577,562 alleles (0.0033%); highest among the groups gnomAD compares: Non-Finnish European, 0.0044%; no homozygotes.

Submissions (5):

Labcorp Genetics (formerly Invitae), Labcorp
Classification: Likely benign for Progressive familial heart block type IB. Last evaluated: 2025-08-12. Review status: criteria provided, single submitter. Criteria: Invitae Variant Classification Sherloc (09022015). Collection method: clinical testing. Allele origin: germline.

Blueprint Genetics
Classification: Likely benign. Last evaluated: 2024-05-03. Review status: criteria provided, single submitter. Criteria: ACMG Guidelines, 2015. Collection method: clinical testing. Allele origin: germline.

Ambry Genetics
Classification: Likely benign for Cardiovascular phenotype. Last evaluated: 2021-06-17. Review status: criteria provided, single submitter. Criteria: Ambry Variant Classification Scheme 2023. Collection method: clinical testing. Allele origin: germline.

Illumina Laboratory Services, Illumina
Classification: Uncertain significance for Progressive familial heart block type IB. Last evaluated: 2018-01-13. Review status: criteria provided, single submitter. Criteria: ICSL Variant Classification Criteria 13 December 2019. Collection method: clinical testing. Allele origin: germline.

PreventionGenetics, part of Exact Sciences
Classification: Likely benign for TRPM4-related condition. Last evaluated: 2022-05-09. Review status: no assertion criteria provided. Collection method: clinical testing. Allele origin: germline. Not counted in ClinVar's aggregate classification.
Comment: This variant is classified as likely benign based on ACMG/AMP sequence variant interpretation guidelines (Richards et al. 2015 PMID: 25741868, with internal and published modifications).